The following is an entry in ClinVar:

ClinVar aggregate classification (germline): Uncertain significance (1 of 4 stars; one submission).

Submission:

Labcorp Genetics (formerly Invitae), Labcorp
Classification: Uncertain significance. Last evaluated: 2022-11-07. Review status: criteria provided, single submitter. Criteria: Invitae Variant Classification Sherloc (09022015). Collection method: clinical testing. Allele origin: germline.
Comment: In summary, the available evidence is currently insufficient to determine the role of this variant in disease. Therefore, it has been classified as a Variant of Uncertain Significance. Experimental studies and prediction algorithms are not available or were not evaluated, and the functional significance of this variant is currently unknown. This variant has not been reported in the literature in individuals affected with CCDC141-related conditions. This variant is not present in population databases (gnomAD no frequency). This variant, c.191_193del, results in the deletion of 1 amino acid(s) of the CCDC141 protein (p.Leu64del), but otherwise preserves the integrity of the reading frame.

NM_173648.4(CCDC141):c.188TTC[1] (p.Leu64del)

Gene: CCDC141 (coiled-coil domain containing 141; minus strand). Cytogenetic location: 2q31.2.
Variant type: Microsatellite.
Coding change: c.188TTC[1] on transcript NM_173648.4 (MANE Select); one copy of the 3-base unit TTC starting at c.188; the reference has two copies in a row; one copy, 3 bases deleted.
Protein change: p.Leu64del; deletes leucine 64.
Molecular consequence: inframe deletion.
Genome position (GRCh38, 1-based): chr2:179,047,316-179,047,318, GAA deleted on the plus strand (TTC on the coding strand, the reverse complement: CCDC141 is on the minus strand); deleting any 3 consecutive bases within chr2:179,047,316-179,047,322 gives the same sequence; the position shown is the placement nearest the transcript's 3' end. VCF-style (leftmost placement, unchanged base first): chr2-179047315-TGAA-T. GRCh37 (hg19) VCF-style: chr2-179912042-TGAA-T.
Other names: c.188TTC[1], p.Leu64del (NM_001316745.2); short protein forms L64del.
Identifiers: ClinVar variation 2885376 (VCV002885376.3), dbSNP rs1283391859, ClinGen allele CA761331688.